The following is an entry in ClinVar:

ClinVar aggregate classification (germline): Pathogenic (1 of 4 stars; one submission).

Conditions:
Bardet-Biedl syndrome (BBS). Identifiers: Orphanet 110, MedGen C0752166, MONDO:0015229.

Submission:

Labcorp Genetics (formerly Invitae), Labcorp
Classification: Pathogenic for Bardet-Biedl syndrome. Last evaluated: 2018-06-19. Review status: criteria provided, single submitter. Criteria: Invitae Variant Classification Sherloc (09022015). Collection method: clinical testing. Allele origin: germline.
Comment: This variant results in a copy number gain of the genomic region encompassing exons 18-19 of the BBS9 gene. While the exact position of this variant cannot be determined from this data, sub-genic copy number gains are generally in tandem (PMID: 25640679) and may result in an absent or disrupted protein product. For these reasons, this variant has been classified as Pathogenic. Loss-of-function variants in BBS9 are known to be pathogenic (PMID: 16380913).

Literature cited by the submitters: PubMed 25640679; PubMed 16380913.

NC_000007.13:g.(?_33423258)_(33427776_?)dup

Gene: BBS9 (Bardet-Biedl syndrome 9; plus strand). Cytogenetic location: 7p14.3.
Variant type: Duplication.
Identifiers: ClinVar variation 584143 (VCV000584143.5).